The following is an entry in ClinVar:

ClinVar aggregate classification (germline): Uncertain significance (1 of 4 stars; one submission).

Allele frequency attached by ClinVar (database versions not stated): TOPMed 0.00001.
gnomAD v4.1: 24 of 1,614,076 alleles (0.0015%); highest among the groups gnomAD compares: Non-Finnish European, 0.002%; no homozygotes.

Submission:

Labcorp Genetics (formerly Invitae), Labcorp
Classification: Uncertain significance. Last evaluated: 2025-10-14. Review status: criteria provided, single submitter. Criteria: Invitae Variant Classification Sherloc (09022015). Collection method: clinical testing. Allele origin: germline.
Comment: This sequence change replaces glycine, which is neutral and non-polar, with cysteine, which is neutral and slightly polar, at codon 149 of the DIP2C protein (p.Gly149Cys). The frequency data for this variant in the population databases is considered unreliable, as metrics indicate poor data quality at this position in the gnomAD database. This variant has not been reported in the literature in individuals affected with DIP2C-related conditions. ClinVar contains an entry for this variant (Variation ID: 1919829). An algorithm developed to predict the effect of missense changes on protein structure and function (PolyPhen-2) suggests that this variant is likely to be tolerated. In summary, the available evidence is currently insufficient to determine the role of this variant in disease. Therefore, it has been classified as a Variant of Uncertain Significance.

NM_014974.3(DIP2C):c.445G>T (p.Gly149Cys)

Gene: DIP2C (DIP2 acetate--CoA ligase C (putative); minus strand). Cytogenetic location: 10p15.3.
Variant type: single nucleotide variant.
Coding change: c.445G>T on transcript NM_014974.3 (MANE Select); coding-DNA position 445, G replaced by T.
Protein change: p.Gly149Cys; replaces glycine 149 with cysteine.
Molecular consequence: missense variant.
Genome position (GRCh38, 1-based): chr10:422,983, C>A on the plus strand (G>T on the coding strand, the complement: DIP2C is on the minus strand). VCF-style: chr10-422983-C-A. GRCh37 (hg19) VCF-style: chr10-468923-C-A.
Other names: short protein forms G149C.
Identifiers: ClinVar variation 1919829 (VCV001919829.5), dbSNP rs1202940043, ClinGen allele CA375834674.